The following is an entry in ClinVar:

ClinVar aggregate classification (germline): Uncertain significance (1 of 4 stars; one submission).

Submission:

Labcorp Genetics (formerly Invitae), Labcorp
Classification: Uncertain significance. Last evaluated: 2022-11-06. Review status: criteria provided, single submitter. Criteria: Invitae Variant Classification Sherloc (09022015). Collection method: clinical testing. Allele origin: germline.
Comment: This variant has not been reported in the literature in individuals affected with TWNK-related conditions. In summary, the available evidence is currently insufficient to determine the role of this variant in disease. Therefore, it has been classified as a Variant of Uncertain Significance. Algorithms developed to predict the effect of missense changes on protein structure and function output the following: SIFT: "Tolerated"; PolyPhen-2: "Benign"; Align-GVGD: "Class C0". The proline amino acid residue is found in multiple mammalian species, which suggests that this missense change does not adversely affect protein function. This variant is not present in population databases (gnomAD no frequency). This sequence change replaces serine, which is neutral and polar, with proline, which is neutral and non-polar, at codon 353 of the TWNK protein (p.Ser353Pro).

NM_021830.5(TWNK):c.1057T>C (p.Ser353Pro)

Gene: TWNK (twinkle mtDNA helicase; plus strand). Cytogenetic location: 10q24.31.
Variant type: single nucleotide variant.
Coding change: c.1057T>C on transcript NM_021830.5 (MANE Select); coding-DNA position 1057, T replaced by C.
Protein change: p.Ser353Pro; replaces serine 353 with proline.
Molecular consequence: missense variant. On other transcripts: non-coding transcript variant (4), intron variant (3).
Genome position (GRCh38, 1-based): chr10:100,989,267, T>C. VCF-style: chr10-100989267-T-C. GRCh37 (hg19) VCF-style: chr10-102749024-T-C.
Other names: c.1057T>C, p.Ser353Pro (NM_001163812.2); c.-119-377T>C (NM_001163814.2, NM_001163813.2); c.-57-439T>C (NM_001368275.1); short protein forms S353P.
Identifiers: ClinVar variation 2812374 (VCV002812374.3), dbSNP rs2493633278, ClinGen allele CA378209758.
Genomic context (GRCh38, chr10:100,989,267, plus strand): 5'-GTGCGACCAGGAGACCAGCAACCCCGTCCCCTGGAGGCCCTGAACGGAGGCTTCAATCTT[T>C]CTCGTATTCTTCGTACCGCCCTGCCTGCCTGGCACAAGTCCATCGTATCTTTCCGGCAGC-3'
Protein context (NP_068602.2, residues 343-363): LEALNGGFNL[Ser353Pro]RILRTALPAW